The following is an entry in ClinVar:

ClinVar aggregate classification (germline): Uncertain significance (1 of 4 stars; one submission).

Conditions:
Hereditary spastic paraplegia. Also called: Familial spastic paraparesis. Identifiers: Orphanet 685, MedGen C0037773, MONDO:0019064. Disease mechanism: loss of function.

gnomAD v4.1: 174 of 1,614,030 alleles (0.011%); highest among the groups gnomAD compares: Middle Eastern, 0.082%; no homozygotes.

Submission:

Labcorp Genetics (formerly Invitae), Labcorp
Classification: Uncertain significance for Hereditary spastic paraplegia. Last evaluated: 2025-03-27. Review status: criteria provided, single submitter. Criteria: Invitae Variant Classification Sherloc (09022015). Collection method: clinical testing. Allele origin: germline.
Comment: This sequence change replaces isoleucine, which is neutral and non-polar, with valine, which is neutral and non-polar, at codon 791 of the USP8 protein (p.Ile791Val). The frequency data for this variant in the population databases is considered unreliable, as metrics indicate poor data quality at this position in the gnomAD database. This variant has not been reported in the literature in individuals affected with USP8-related conditions. An algorithm developed to predict the effect of missense changes on protein structure and function (PolyPhen-2) suggests that this variant is likely to be disruptive. In summary, the available evidence is currently insufficient to determine the role of this variant in disease. Therefore, it has been classified as a Variant of Uncertain Significance.

NM_005154.5(USP8):c.2371A>G (p.Ile791Val)

Gene: USP8 (ubiquitin specific peptidase 8; plus strand). Cytogenetic location: 15q21.2.
Variant type: single nucleotide variant.
Coding change: c.2371A>G on transcript NM_005154.5 (MANE Select); coding-DNA position 2371, A replaced by G.
Protein change: p.Ile791Val; replaces isoleucine 791 with valine.
Molecular consequence: missense variant.
Genome position (GRCh38, 1-based): chr15:50,492,837, A>G. VCF-style: chr15-50492837-A-G. GRCh37 (hg19) VCF-style: chr15-50785034-A-G.
Other names: c.2371A>G, p.Ile791Val (NM_001128610.3); c.2053A>G, p.Ile685Val (NM_001283049.2); short protein forms I791V, I685V.
Identifiers: ClinVar variation 4698288 (VCV004698288.1).